The following is an entry in ClinVar:

NM_152722.5(HEPACAM):c.948+6C>T

Gene: HEPACAM (hepatic and glial cell adhesion molecule; minus strand). Cytogenetic location: 11q24.2.
Variant type: single nucleotide variant.
Coding change: c.948+6C>T on transcript NM_152722.5 (MANE Select); 6 bases into the intron after coding-DNA position 948, C replaced by T.
Molecular consequence: intron variant.
Genome position (GRCh38, 1-based): chr11:124,922,382, G>A on the plus strand (C>T on the coding strand, the complement: HEPACAM is on the minus strand). VCF-style: chr11-124922382-G-A. GRCh37 (hg19) VCF-style: chr11-124792278-G-A.
Identifiers: ClinVar variation 2039304 (VCV002039304.4), dbSNP rs759078901, ClinGen allele CA6345561.

ClinVar aggregate classification (germline): Uncertain significance (1 of 4 stars; one submission).

Allele frequency attached by ClinVar (database versions not stated): TOPMed 0.00001; gnomAD exomes 0.00002; ExAC 0.00003.

Submission:

Labcorp Genetics (formerly Invitae), Labcorp
Classification: Uncertain significance. Last evaluated: 2025-01-18. Review status: criteria provided, single submitter. Criteria: Invitae Variant Classification Sherloc (09022015). Collection method: clinical testing. Allele origin: germline.
Comment: This sequence change falls in intron 6 of the HEPACAM gene. It does not directly change the encoded amino acid sequence of the HEPACAM protein. It affects a nucleotide within the consensus splice site. This variant is present in population databases (rs759078901, gnomAD 0.005%). This variant has not been reported in the literature in individuals affected with HEPACAM-related conditions. ClinVar contains an entry for this variant (Variation ID: 2039304). Variants that disrupt the consensus splice site are a relatively common cause of aberrant splicing (PMID: 17576681, 9536098). Algorithms developed to predict the effect of sequence changes on RNA splicing suggest that this variant is not likely to affect RNA splicing. In summary, the available evidence is currently insufficient to determine the role of this variant in disease. Therefore, it has been classified as a Variant of Uncertain Significance.

Literature cited by the submitters: PubMed 17576681; PubMed 9536098.